The following is an entry in ClinVar:

ClinVar aggregate classification (germline): Uncertain significance (1 of 4 stars; one submission).

Submission:

Labcorp Genetics (formerly Invitae), Labcorp
Classification: Uncertain significance. Last evaluated: 2024-05-12. Review status: criteria provided, single submitter. Criteria: Invitae Variant Classification Sherloc (09022015). Collection method: clinical testing. Allele origin: germline.
Comment: This sequence change replaces glutamic acid, which is acidic and polar, with lysine, which is basic and polar, at codon 119 of the KCNH1 protein (p.Glu119Lys). This variant is not present in population databases (gnomAD no frequency). This variant has not been reported in the literature in individuals affected with KCNH1-related conditions. Advanced modeling of protein sequence and biophysical properties (such as structural, functional, and spatial information, amino acid conservation, physicochemical variation, residue mobility, and thermodynamic stability) performed at Invitae indicates that this missense variant is expected to disrupt KCNH1 protein function with a positive predictive value of 95%. In summary, the available evidence is currently insufficient to determine the role of this variant in disease. Therefore, it has been classified as a Variant of Uncertain Significance.

NM_172362.3(KCNH1):c.355G>A (p.Glu119Lys)

Gene: KCNH1 (potassium voltage-gated channel subfamily H member 1; minus strand). Cytogenetic location: 1q32.2.
Variant type: single nucleotide variant.
Coding change: c.355G>A on transcript NM_172362.3 (MANE Select); coding-DNA position 355, G replaced by A.
Protein change: p.Glu119Lys; replaces glutamic acid 119 with lysine.
Molecular consequence: missense variant.
Genome position (GRCh38, 1-based): chr1:211,090,646, C>T on the plus strand (G>A on the coding strand, the complement: KCNH1 is on the minus strand). VCF-style: chr1-211090646-C-T. GRCh37 (hg19) VCF-style: chr1-211263988-C-T.
Other names: c.355G>A, p.Glu119Lys (NM_002238.4); short protein forms E119K.
Identifiers: ClinVar variation 3633742 (VCV003633742.2).